The following is an entry in ClinVar:

NM_000218.3(KCNQ1):c.1892_1909del (p.Pro631_Ala636del)

Genes: KCNQ1 (potassium voltage-gated channel subfamily Q member 1; plus strand), KCNQ1-AS1 (KCNQ1 antisense RNA 1; minus strand). Cytogenetic location: 11p15.4.
Variant type: Deletion.
Coding change: c.1892_1909del on transcript NM_000218.3 (MANE Select); coding-DNA positions 1892 to 1909, 18 bases deleted (CCAGAGAGGGCGGGGCCC).
Protein change: p.Pro631_Ala636del.
Genome position (GRCh38, 1-based): chr11:2,847,864-2,847,881, CCAGAGAGGGCGGGGCCC deleted; deleting any 18 consecutive bases within chr11:2,847,861-2,847,881 gives the same sequence; the c. name uses the placement nearest the transcript's 3' end. VCF-style (leftmost placement, unchanged base first): chr11-2847860-CCCCCCAGAGAGGGCGGGG-C. GRCh37 (hg19) VCF-style: chr11-2869090-CCCCCCAGAGAGGGCGGGG-C.
Other names: c.1796_1813del, p.Pro599_Ala604del (NM_001406836.1); c.1622_1639del, p.Pro541_Ala546del (NM_001406837.1); c.1352_1369del, p.Pro451_Ala456del (NM_001406838.1); c.404_421del, p.Pro135_Ala140del (NM_001406839.1); c.1511_1528del, p.Pro504_Ala509del (NM_181798.2).
Identifiers: ClinVar variation 4779830 (VCV004779830.1).

ClinVar aggregate classification (germline): Uncertain significance (1 of 4 stars; one submission).

Conditions:
Long QT syndrome (LQTS). Identifiers: MedGen C0023976, MeSH D008133, MONDO:0002442. Disease mechanism: loss of function. Inheritance: Various modes of inheritance.

Submission:

Labcorp Genetics (formerly Invitae), Labcorp
Classification: Uncertain significance for Long QT syndrome. Last evaluated: 2025-07-29. Review status: criteria provided, single submitter. Criteria: Invitae Variant Classification Sherloc (09022015). Collection method: clinical testing. Allele origin: germline.
Comment: This variant, c.1892_1909del, results in the deletion of 6 amino acid(s) of the KCNQ1 protein (p.Pro631_Ala636del), but otherwise preserves the integrity of the reading frame. This variant is not present in population databases (gnomAD no frequency). This variant has not been reported in the literature in individuals affected with KCNQ1-related conditions. Experimental studies and prediction algorithms are not available or were not evaluated, and the functional significance of this variant is currently unknown. In summary, the available evidence is currently insufficient to determine the role of this variant in disease. Therefore, it has been classified as a Variant of Uncertain Significance.